The following is an entry in ClinVar:

NM_004415.4(DSP):c.423-2A>G

Gene: DSP (desmoplakin; plus strand). Cytogenetic location: 6p24.3.
Variant type: single nucleotide variant.
Coding change: c.423-2A>G on transcript NM_004415.4 (MANE Select); the canonical splice acceptor site of the intron before coding-DNA position 423, A replaced by G.
Molecular consequence: splice acceptor variant.
Genome position (GRCh38, 1-based): chr6:7,559,224, A>G. VCF-style: chr6-7559224-A-G. GRCh37 (hg19) VCF-style: chr6-7559457-A-G.
Other names: c.423-2A>G (NM_001319034.2, NM_001008844.3, NM_001406591.1).
Identifiers: ClinVar variation 1066724 (VCV001066724.8), dbSNP rs2113659544, ClinGen allele CA362671933.

ClinVar aggregate classification (germline): Likely pathogenic (1 of 4 stars; one submission).

Conditions:
Arrhythmogenic right ventricular dysplasia 8 (ARVD8). Also called: Arrhythmogenic Right Ventricular Dysplasia/Cardiomyopathy 8; ARRHYTHMOGENIC RIGHT VENTRICULAR CARDIOMYOPATHY 8; ARRHYTHMOGENIC RIGHT VENTRICULAR DYSPLASIA, FAMILIAL, 8. Identifiers: MedGen C1843896, MONDO:0011831, OMIM 607450.
Arrhythmogenic cardiomyopathy with wooly hair and keratoderma. Also called: Arrhythmogenic cardiomyopathy with woolly hair and keratoderma; Carvajal syndrome; PALMOPLANTAR KERATODERMA WITH LEFT VENTRICULAR CARDIOMYOPATHY AND WOOLLY HAIR; Dilated cardiomyopathy with woolly hair and keratoderma. Identifiers: Orphanet 65282, MedGen C1854063, MONDO:0011581, OMIM 605676.

Submissions (2):

Labcorp Genetics (formerly Invitae), Labcorp
Classification: Likely pathogenic for Arrhythmogenic cardiomyopathy with wooly hair and keratoderma; Arrhythmogenic right ventricular dysplasia 8. Last evaluated: 2025-07-03. Review status: criteria provided, single submitter. Criteria: Invitae Variant Classification Sherloc (09022015). Collection method: clinical testing. Allele origin: germline.
Comment: This sequence change affects an acceptor splice site in intron 3 of the DSP gene. It is expected to disrupt RNA splicing. Variants that disrupt the donor or acceptor splice site typically lead to a loss of protein function (PMID: 16199547), and loss-of-function variants in DSP are known to be pathogenic (PMID: 20716751, 24503780, 25227139). This variant is not present in population databases (gnomAD no frequency). This variant has not been reported in the literature in individuals affected with DSP-related conditions. ClinVar contains an entry for this variant (Variation ID: 1066724). Algorithms developed to predict the effect of sequence changes on RNA splicing suggest that this variant may disrupt the consensus splice site. In summary, the currently available evidence indicates that the variant is pathogenic, but additional data are needed to prove that conclusively. Therefore, this variant has been classified as Likely Pathogenic.

Dr. Peter K. Rogan Lab, Western University
No classification provided (evidence only). Condition: Ovarian serous cystadenocarcinoma. Review status: no classification provided. Collection method: in vitro. Allele origin: not applicable. Functional consequence: retained intron. Not counted in ClinVar's aggregate classification.

Literature cited by the submitters: PubMed 16199547 (cited by Labcorp Genetics (formerly Invitae), Labcorp); PubMed 20716751 (cited by Labcorp Genetics (formerly Invitae), Labcorp); PubMed 24503780 (cited by Labcorp Genetics (formerly Invitae), Labcorp); PubMed 25227139 (cited by Labcorp Genetics (formerly Invitae), Labcorp).